The following is an entry in ClinVar:

NM_000719.7(CACNA1C):c.5162C>G (p.Thr1721Ser)

Genes: CACNA1C (calcium voltage-gated channel subunit alpha1 C; plus strand), CACNA1C-AS1 (CACNA1C antisense RNA 1; minus strand). Cytogenetic location: 12p13.33.
Variant type: single nucleotide variant.
Coding change: c.5162C>G on transcript NM_000719.7 (MANE Select); coding-DNA position 5162, C replaced by G.
Protein change: p.Thr1721Ser; replaces threonine 1721 with serine.
Molecular consequence: missense variant.
Genome position (GRCh38, 1-based): chr12:2,679,514, C>G. VCF-style: chr12-2679514-C-G. GRCh37 (hg19) VCF-style: chr12-2788680-C-G.
Other names: c.5306C>G, p.Thr1769Ser (NM_001129827.2, NM_199460.4); c.5285C>G, p.Thr1762Ser (NM_001129829.2); c.5162C>G, p.Thr1721Ser (NM_001129830.3, NM_001129840.2, NM_001129841.2 and 4 more transcripts); c.5246C>G, p.Thr1749Ser (NM_001129831.2); c.5222C>G, p.Thr1741Ser (NM_001129832.2); c.5219C>G, p.Thr1740Ser (NM_001129833.2, NM_001129834.2, NM_001129835.2); c.5213C>G, p.Thr1738Ser (NM_001129836.2); c.5186C>G, p.Thr1729Ser (NM_001129837.2, NM_001129838.2); and 3 more; short protein forms T1710S, T1718S, T1721S, T1727S, T1729S, T1738S, T1740S, T1741S.
Identifiers: ClinVar variation 1215364 (VCV001215364.12), dbSNP rs554737427, ClinGen allele CA6389722.

ClinVar aggregate classification (germline): Conflicting classifications of pathogenicity. Review status: criteria provided, conflicting classifications (1 of 4 stars). 3 submissions from 3 submitters: Uncertain significance (1); Likely benign (2). Last evaluated 2026-02-02.

Conditions:
Cardiovascular phenotype. Identifiers: MedGen CN230736.
Long QT syndrome (LQTS). Identifiers: MedGen C0023976, MeSH D008133, MONDO:0002442. Disease mechanism: loss of function. Inheritance: Various modes of inheritance.

Allele frequency attached by ClinVar (database versions not stated): gnomAD 0.00001 and 0.00003; gnomAD exomes 0.00001 and 0.00005; TOPMed 0.00002; ExAC 0.00005; 1000 Genomes Project 30x 0.00016; 1000 Genomes Project 0.00020.
gnomAD v4.1: 27 of 1,611,900 alleles (0.0017%); highest among the groups gnomAD compares: South Asian, 0.022%; no homozygotes.

Submissions (3):

Labcorp Genetics (formerly Invitae), Labcorp
Classification: Likely benign for Long QT syndrome. Last evaluated: 2026-02-02. Review status: criteria provided, single submitter. Criteria: Invitae Variant Classification Sherloc (09022015). Collection method: clinical testing. Allele origin: germline.

Ambry Genetics
Classification: Likely benign for Cardiovascular phenotype. Last evaluated: 2024-01-10. Review status: criteria provided, single submitter. Criteria: Ambry Variant Classification Scheme 2023. Collection method: clinical testing. Allele origin: germline.

GeneDx
Classification: Uncertain significance. Last evaluated: 2021-06-22. Review status: criteria provided, single submitter. Criteria: GeneDx Variant Classification Process June 2021. Collection method: clinical testing. Allele origin: germline. Affected: yes.
Comment: Has not been previously published as pathogenic or benign to our knowledge; In silico analysis supports that this missense variant does not alter protein structure/function; This variant is associated with the following publications: (PMID: 27535533)